The following is an entry in ClinVar:

NM_000441.2(SLC26A4):c.1604dup (p.Asn535fs)

Gene: SLC26A4 (solute carrier family 26 member 4; plus strand). Cytogenetic location: 7q22.3.
Variant type: Duplication.
Coding change: c.1604dup on transcript NM_000441.2 (MANE Select); coding-DNA position 1604, one base duplicated (A; older notation c.1604dupA).
Protein change: p.Asn535fs; shifts the reading frame from asparagine 535.
Molecular consequence: frameshift variant.
Genome position (GRCh38, 1-based): chr7:107,698,101, A duplicated; the last of 2 consecutive A bases (chr7:107,698,100-107,698,101); duplicating either gives the same sequence. VCF-style (leftmost placement, unchanged base first): chr7-107698099-G-GA. GRCh37 (hg19) VCF-style: chr7-107338544-G-GA.
Other names: c.1604dup (NM_000441.1); short protein forms N535fs.
Identifiers: ClinVar variation 2766932 (VCV002766932.5), dbSNP rs2535332598, ClinGen allele CA2697557499.
Genomic context (GRCh38, chr7:107,698,099, plus strand): 5'-TAGTCCTTCTTGGAATGGCCTTGGAAGCATCCCTAGCACAGATATCTACAAAAGTACCAA[G>GA]AATTACAAAAACGTAAGTACCTTTGTGAGACATTTGCTGGACTTGGGTTTACTAGCCTGA-3'

ClinVar aggregate classification (germline): Pathogenic/Likely pathogenic. Review status: criteria provided, multiple submitters, no conflicts (2 of 4 stars). 2 submissions from 2 submitters: Pathogenic (1); Likely pathogenic (1). Last evaluated 2025-02-13.

Conditions:
Pendred syndrome (PDS). Also called: DEAFNESS WITH GOITER; GOITER-DEAFNESS SYNDROME; Pendred's syndrome; HYPOTHYROIDISM, CONGENITAL, DUE TO DYSHORMONOGENESIS, 2B; THYROID DYSHORMONOGENESIS 2B; THYROID HORMONOGENESIS, GENETIC DEFECT IN, 2B. Identifiers: Orphanet 705, MedGen C0271829, MONDO:0010134, OMIM 274600.

Submissions (2):

Natera, Inc.
Classification: Likely pathogenic for Pendred syndrome. Last evaluated: 2025-02-13. Review status: criteria provided, single submitter. Criteria: Natera Variant Classification Schema (03/2026). Collection method: clinical testing. Allele origin: germline.
Comment: The c.1604dup variant in SLC26A4 is a frameshift variant predicted to shift the reading frame beginning at codon 535 and leads to a stop codon 6 codons downstream. This variant is expected to result in nonsense mediated decay, truncation, or a dysfunctional protein product. This variant is rare in the general population with a frequency below the threshold expected for the associated phenotype(s). Given the available evidence, this variant is classified as Likely Pathogenic.

Labcorp Genetics (formerly Invitae), Labcorp
Classification: Pathogenic. Last evaluated: 2023-10-08. Review status: criteria provided, single submitter. Criteria: Invitae Variant Classification Sherloc (09022015). Collection method: clinical testing. Allele origin: germline.
Comment: This sequence change creates a premature translational stop signal (p.Asn535Lysfs*6) in the SLC26A4 gene. It is expected to result in an absent or disrupted protein product. Loss-of-function variants in SLC26A4 are known to be pathogenic (PMID: 16283880, 25394566, 26252218, 26445815). This variant is not present in population databases (gnomAD no frequency). This variant has not been reported in the literature in individuals affected with SLC26A4-related conditions. For these reasons, this variant has been classified as Pathogenic.

Literature cited by the submitters: PubMed 16283880 (cited by Labcorp Genetics (formerly Invitae), Labcorp); PubMed 25394566 (cited by Labcorp Genetics (formerly Invitae), Labcorp); PubMed 26252218 (cited by Labcorp Genetics (formerly Invitae), Labcorp); PubMed 26445815 (cited by Labcorp Genetics (formerly Invitae), Labcorp).